The following is an entry in ClinVar:

NM_014668.4(GREB1):c.3498C>T (p.Pro1166=)

Gene: GREB1 (growth regulating estrogen receptor binding 1; plus strand). Cytogenetic location: 2p25.1.
Variant type: single nucleotide variant.
Coding change: c.3498C>T on transcript NM_014668.4 (MANE Select); coding-DNA position 3498, C replaced by T.
Protein change: p.Pro1166=; no amino-acid change (proline 1166 retained).
Molecular consequence: synonymous variant.
Genome position (GRCh38, 1-based): chr2:11,618,373, C>T. VCF-style: chr2-11618373-C-T. GRCh37 (hg19) VCF-style: chr2-11758499-C-T.
Identifiers: ClinVar variation 2650683 (VCV002650683.24), dbSNP rs760328963, ClinGen allele CA1532203.

ClinVar aggregate classification (germline): Likely benign (1 of 4 stars; one submission).

Allele frequency attached by ClinVar (database versions not stated): gnomAD exomes 0.00005; ExAC 0.00015; gnomAD 0.00017; TOPMed 0.00023.
gnomAD v4.1: 100 of 1,611,500 alleles (0.0062%); highest among the groups gnomAD compares: African/African-American, 0.06%; no homozygotes.

Submission:

CeGaT Center for Human Genetics Tuebingen
Classification: Likely benign. Last evaluated: 2022-11-01. Review status: criteria provided, single submitter. Criteria: CeGaT Center For Human Genetics Tuebingen Variant Classification Criteria Version 2. Collection method: clinical testing. Allele origin: germline. Affected: yes. Observed: 1 variant allele.
Comment: GREB1: BP4, BP7